The following is an entry in ClinVar:

ClinVar aggregate classification (germline): Uncertain significance (1 of 4 stars; one submission).

Submission:

Quest Diagnostics Nichols Institute San Juan Capistrano
Classification: Uncertain significance. Last evaluated: 2025-03-07. Review status: criteria provided, single submitter. Criteria: Quest Diagnostics criteria. Collection method: clinical testing. Allele origin: unknown.
Comment: The FANCA c.345G>T (p.Gly115=) synonymous variant has not been reported in individuals with FANCA-related conditions in the published literature. It also has not been reported in large, multi-ethnic general populations (Genome Aggregation Database). Analysis of this variant using software algorithms for the prediction of the effect of nucleotide changes on FANCA mRNA splicing yielded predictions that this variant may result in the gain of a cryptic splice site without affecting the natural splice sites. Based on the available information, we are unable to determine the clinical significance of this variant.

NM_000135.4(FANCA):c.345G>T (p.Gly115=)

Gene: FANCA (FA complementation group A; minus strand). Cytogenetic location: 16q24.3.
Variant type: single nucleotide variant.
Coding change: c.345G>T on transcript NM_000135.4 (MANE Select); coding-DNA position 345, G replaced by T.
Protein change: p.Gly115=; no amino-acid change (glycine 115 retained).
Molecular consequence: synonymous variant.
Genome position (GRCh38, 1-based): chr16:89,811,010, C>A on the plus strand (G>T on the coding strand, the complement: FANCA is on the minus strand). VCF-style: chr16-89811010-C-A. GRCh37 (hg19) VCF-style: chr16-89877418-C-A.
Other names: c.345G>T, p.Gly115= (NM_001018112.3, NM_001286167.3, NM_001351830.2).
Identifiers: ClinVar variation 4532873 (VCV004532873.1).